The following is an entry in ClinVar:

NM_002768.5(CHMP1A):c.105+233T>C

Gene: CHMP1A (charged multivesicular body protein 1A; minus strand). Cytogenetic location: 16q24.3.
Variant type: single nucleotide variant.
Coding change: c.105+233T>C on transcript NM_002768.5 (MANE Select); 233 bases into the intron after coding-DNA position 105, T replaced by C.
Molecular consequence: intron variant.
Genome position (GRCh38, 1-based): chr16:89,651,336, A>G on the plus strand (T>C on the coding strand, the complement: CHMP1A is on the minus strand). VCF-style: chr16-89651336-A-G. GRCh37 (hg19) VCF-style: chr16-89717744-A-G.
Other names: c.85+233T>C (NM_001083314.4).
Identifiers: ClinVar variation 680222 (VCV000680222.1), dbSNP rs139835877, ClinGen allele CA286555342.

ClinVar aggregate classification (germline): Benign (1 of 4 stars; one submission).

Allele frequency attached by ClinVar (database versions not stated): 1000 Genomes Project 30x 0.03998; 1000 Genomes Project 0.04133; TOPMed 0.05331; gnomAD 0.05801 and 0.05878.

Submission:

GeneDx
Classification: Benign. Last evaluated: 2018-06-16. Review status: criteria provided, single submitter. Criteria: GeneDx Variant Classification (06012015). Collection method: clinical testing. Allele origin: germline. Affected: yes.
Comment: This variant is considered likely benign or benign based on one or more of the following criteria: it is a conservative change, it occurs at a poorly conserved position in the protein, it is predicted to be benign by multiple in silico algorithms, and/or has population frequency not consistent with disease.